The following is an entry in ClinVar:

ClinVar aggregate classification (germline): Uncertain significance. Review status: criteria provided, multiple submitters, no conflicts (2 of 4 stars). 2 submissions from 2 submitters: Uncertain significance (2). Last evaluated 2026-07-06.

Conditions:
Tuberous sclerosis 2 (TSC2). Identifiers: Orphanet 805, MedGen C1860707, MONDO:0013199, OMIM 613254.
Hereditary cancer-predisposing syndrome. Also called: Hereditary Cancer Syndrome; Hereditary neoplastic syndrome; Neoplastic Syndromes, Hereditary; Tumor predisposition. Identifiers: Orphanet 140162, MedGen C0027672, MeSH D009386, MONDO:0015356.

Submissions (2):

Ambry Genetics
Classification: Uncertain significance for Hereditary cancer-predisposing syndrome. Last evaluated: 2026-07-06. Review status: criteria provided, single submitter. Criteria: Ambry Variant Classification Scheme 2023. Collection method: clinical testing. Allele origin: germline.
Comment: The p.Q354R variant (also known as c.1061A>G), located in coding exon 10 of the TSC2 gene, results from an A to G substitution at nucleotide position 1061. The glutamine at codon 354 is replaced by arginine, an amino acid with highly similar properties. This amino acid position is conserved. In addition, this alteration is predicted to be deleterious by in silico analysis. Based on the available evidence, the clinical significance of this variant remains unclear.

Labcorp Genetics (formerly Invitae), Labcorp
Classification: Uncertain significance for Tuberous sclerosis 2. Last evaluated: 2023-03-07. Review status: criteria provided, single submitter. Criteria: Invitae Variant Classification Sherloc (09022015). Collection method: clinical testing. Allele origin: germline.
Comment: In summary, the available evidence is currently insufficient to determine the role of this variant in disease. Therefore, it has been classified as a Variant of Uncertain Significance. This variant has not been reported in the literature in individuals affected with TSC2-related conditions. Advanced modeling of protein sequence and biophysical properties (such as structural, functional, and spatial information, amino acid conservation, physicochemical variation, residue mobility, and thermodynamic stability) performed at Invitae indicates that this missense variant is not expected to disrupt TSC2 protein function. This variant is not present in population databases (gnomAD no frequency). This sequence change replaces glutamine, which is neutral and polar, with arginine, which is basic and polar, at codon 354 of the TSC2 protein (p.Gln354Arg).

NM_000548.5(TSC2):c.1061A>G (p.Gln354Arg)

Gene: TSC2 (TSC complex subunit 2; plus strand). Cytogenetic location: 16p13.3.
Variant type: single nucleotide variant.
Coding change: c.1061A>G on transcript NM_000548.5 (MANE Select); coding-DNA position 1061, A replaced by G.
Protein change: p.Gln354Arg; replaces glutamine 354 with arginine.
Molecular consequence: missense variant. On other transcripts: 5 prime UTR variant (10), non-coding transcript variant (5).
Genome position (GRCh38, 1-based): chr16:2,060,755, A>G. VCF-style: chr16-2060755-A-G. GRCh37 (hg19) VCF-style: chr16-2110756-A-G.
Other names: c.1061A>G, p.Gln354Arg (NM_001077183.3, NM_001114382.3, NM_001363528.2 and 6 more transcripts); c.950A>G, p.Gln317Arg (NM_001318827.2, NM_001406670.1, NM_001406678.1); c.914A>G, p.Gln305Arg (NM_001318829.2, NM_001406675.1, NM_001406676.1 and 1 more transcripts); c.461A>G, p.Gln154Arg (NM_001318831.2, NM_001406687.1, NM_001406688.1 and 6 more transcripts); c.1094A>G, p.Gln365Arg (NM_001318832.2); c.1151A>G, p.Gln384Arg (NM_001406667.1, NM_001406668.1); c.1049A>G, p.Gln350Arg (NM_001406671.1, NM_001406673.1); c.-371A>G (NM_001406689.1, NM_001406690.1, NM_001406691.1 and 4 more transcripts); and 4 more; short protein forms Q305R, Q317R, Q350R, Q384R, Q154R, Q354R, Q365R, Q200R.
Identifiers: ClinVar variation 2826162 (VCV002826162.4), dbSNP rs1394071689, ClinGen allele CA394317904.